The following is an entry in ClinVar:

NM_032119.4(ADGRV1):c.8801C>A (p.Ser2934Ter)

Gene: ADGRV1 (adhesion G protein-coupled receptor V1; plus strand). Cytogenetic location: 5q14.3.
Variant type: single nucleotide variant.
Coding change: c.8801C>A on transcript NM_032119.4 (MANE Select); coding-DNA position 8801, C replaced by A.
Protein change: p.Ser2934Ter; replaces serine 2934 with a stop codon.
Molecular consequence: nonsense. On other transcripts: non-coding transcript variant (1).
Genome position (GRCh38, 1-based): chr5:90,708,886, C>A. VCF-style: chr5-90708886-C-A. GRCh37 (hg19) VCF-style: chr5-90004703-C-A.
Other names: short protein forms S2934*.
Identifiers: ClinVar variation 3376959 (VCV003376959.2).

ClinVar aggregate classification (germline): Pathogenic. Review status: criteria provided, multiple submitters, no conflicts (2 of 4 stars). 2 submissions from 2 submitters: Pathogenic (2). Last evaluated 2025-02-16.

Conditions:
Usher syndrome type 2C. Also called: Usher syndrome, type 2B; USHER SYNDROME, TYPE IIC. Identifiers: Orphanet 231178, Orphanet 886, MedGen C2931213, MONDO:0011558, OMIM 605472.

Submissions (2):

Laboratory of Genetics, Children's Clinical University Hospital Latvia
Classification: Pathogenic. Last evaluated: 2025-02-16. Review status: criteria provided, single submitter. Criteria: ACMG Guidelines, 2015. Collection method: clinical testing. Allele origin: germline. Affected: yes.

Victorian Clinical Genetics Services, Murdoch Childrens Research Institute
Classification: Pathogenic for Usher syndrome type 2C. Last evaluated: 2024-10-09. Review status: criteria provided, single submitter. Criteria: ACMG Guidelines, 2015. Collection method: clinical testing. Allele origin: germline. Inheritance: Autosomal recessive inheritance. Affected: yes.
Comment: Based on the classification scheme VCGS_Germline_v1.3.4, this variant is classified as Pathogenic. Following criteria are met: 0102 - Loss of function is a known mechanism of disease in this gene and is associated with Usher syndrome, type 2C (MIM#605472). (I) 0106 - This gene is associated with autosomal recessive disease. The association between monoallelic variants and febrile seizures, familial, 4 (MIM#604352) has not been established (PanelApp Australia). (I) 0201 - Variant is predicted to cause nonsense-mediated decay (NMD) and loss of protein (premature termination codon is located at least 54 nucleotides upstream of the final exon-exon junction). (SP) 0251 - This variant is heterozygous. (I) 0301 - Variant is absent from gnomAD (both v2 and v3). (SP) 0701 - Other premature termination variants comparable to the one identified in this case have very strong previous evidence for pathogenicity. Many NMD-predicted variants in this gene have been reported as pathogenic/likely pathogenic (ClinVar). (SP) 0807 - This variant has no previous evidence of pathogenicity. It has been listed once as pathogenic in LOVD; however, no further information was provided. (I) 0905 - No published segregation evidence has been identified for this variant. (I) 1007 - No published functional evidence has been identified for this variant. (I) 1208 - Inheritance information for this variant is not currently available in this individual. (I) Legend: (SP) - Supporting pathogenic, (I) - Information, (SB) - Supporting benign